The following is an entry in ClinVar:

NM_000287.4(PEX6):c.67C>G (p.Leu23Val)

Gene: PEX6 (peroxisomal biogenesis factor 6; minus strand). Cytogenetic location: 6p21.1.
Variant type: single nucleotide variant.
Coding change: c.67C>G on transcript NM_000287.4 (MANE Select); coding-DNA position 67, C replaced by G.
Protein change: p.Leu23Val; replaces leucine 23 with valine.
Molecular consequence: missense variant. On other transcripts: non-coding transcript variant (1).
Genome position (GRCh38, 1-based): chr6:42,979,084, G>C on the plus strand (C>G on the coding strand, the complement: PEX6 is on the minus strand). VCF-style: chr6-42979084-G-C. GRCh37 (hg19) VCF-style: chr6-42946822-G-C.
Other names: c.67C>G, p.Leu23Val (NM_001316313.2); short protein forms L23V.
Identifiers: ClinVar variation 2089676 (VCV002089676.1), dbSNP rs1581780058, ClinGen allele CA364169456.
Genomic context (GRCh38, chr6:42,979,084, plus strand): 5'-CAGGCCTCAGGGCCAGCACCAGGCCCAGCTCCGCCGCCGGCCACGGGCCCCCGGGTGGCA[G>C]CAGCACTGCCAACGGGGGTGTCTCGGTCGGAAAGGGCTCCAGGACCCGCAAGACAGCCAG-3'
Protein context (NP_000278.3, residues 13-33): PTETPPLAVL[Leu23Val]PPGGPWPAAE

ClinVar aggregate classification (germline): Uncertain significance (1 of 4 stars; one submission).

Conditions:
Peroxisome biogenesis disorder. Identifiers: Orphanet 79189, MedGen C1832200, MONDO:0019234. Disease mechanism: loss of function.

Submission:

Labcorp Genetics (formerly Invitae), Labcorp
Classification: Uncertain significance for Peroxisome biogenesis disorder. Last evaluated: 2022-01-26. Review status: criteria provided, single submitter. Criteria: Invitae Variant Classification Sherloc (09022015). Collection method: clinical testing. Allele origin: germline.
Comment: This sequence change replaces leucine, which is neutral and non-polar, with valine, which is neutral and non-polar, at codon 23 of the PEX6 protein (p.Leu23Val). This variant is not present in population databases (gnomAD no frequency). This variant has not been reported in the literature in individuals affected with PEX6-related conditions. Algorithms developed to predict the effect of missense changes on protein structure and function (SIFT, PolyPhen-2, Align-GVGD) all suggest that this variant is likely to be tolerated. In summary, the available evidence is currently insufficient to determine the role of this variant in disease. Therefore, it has been classified as a Variant of Uncertain Significance.